The following is an entry in ClinVar:

NM_000093.5(COL5A1):c.5393C>T (p.Thr1798Met)

Genes: COL5A1 (collagen type V alpha 1 chain; plus strand), LOC101448202 (uncharacterized LOC101448202; minus strand). Cytogenetic location: 9q34.3.
Variant type: single nucleotide variant.
Coding change: c.5393C>T on transcript NM_000093.5 (MANE Select); coding-DNA position 5393, C replaced by T.
Protein change: p.Thr1798Met; replaces threonine 1798 with methionine.
Molecular consequence: missense variant.
Genome position (GRCh38, 1-based): chr9:134,842,179, C>T. VCF-style: chr9-134842179-C-T. GRCh37 (hg19) VCF-style: chr9-137734025-C-T.
Other names: p.Thr1798Met; c.5393C>T, p.Thr1798Met (NM_001278074.1); short protein forms T1798M.
Identifiers: ClinVar variation 1018148 (VCV001018148.17), dbSNP rs761036527, ClinGen allele CA5320741.

ClinVar aggregate classification (germline): Conflicting classifications of pathogenicity. Review status: criteria provided, conflicting classifications (1 of 4 stars). 4 submissions from 4 submitters: Uncertain significance (3); Benign (1). Last evaluated 2026-01-21.

Conditions:
Ehlers-Danlos syndrome, classic type, 1 (EDSCL1). Also called: EHLERS-DANLOS SYNDROME, GRAVIS TYPE; EHLERS-DANLOS SYNDROME, SEVERE CLASSIC TYPE; EDS I; Ehlers-Danlos Syndrome, Classic Type, COL5A1-Related; Ehlers-Danlos syndrome, type 1. Identifiers: MedGen C0268335, MONDO:0019567, OMIM 130000.

Allele frequency attached by ClinVar (database versions not stated): TOPMed 0.00001; gnomAD exomes 0.00003 and 0.00001; ExAC 0.00001.

Submissions (4):

GeneDx
Classification: Uncertain significance. Last evaluated: 2026-01-21. Review status: criteria provided, single submitter. Criteria: GeneDx Variant Classification Process June 2021. Collection method: clinical testing. Allele origin: germline. Affected: yes.
Comment: Not observed at significant frequency in large population cohorts (gnomAD); In silico analysis supports that this missense variant has a deleterious effect on protein structure/function; Has not been previously published as pathogenic or benign to our knowledge; Not located in the triple helical region, where the majority of pathogenic missense variants occur (PMID: 22696272; HGMD); This variant is associated with the following publications: (PMID: 22696272)

Labcorp Genetics (formerly Invitae), Labcorp
Classification: Benign for Ehlers-Danlos syndrome, classic type, 1. Last evaluated: 2025-10-17. Review status: criteria provided, single submitter. Criteria: Invitae Variant Classification Sherloc (09022015). Collection method: clinical testing. Allele origin: germline.

Mayo Clinic Laboratories, Mayo Clinic
Classification: Uncertain significance. Last evaluated: 2025-03-25. Review status: criteria provided, single submitter. Criteria: ACMG Guidelines, 2015. Collection method: clinical testing. Allele origin: germline. Observed: 1 variant allele.
Comment: PP3_moderate

AiLife Diagnostics
Classification: Uncertain significance. Last evaluated: 2022-02-21. Review status: criteria provided, single submitter. Criteria: ACMG Guidelines, 2015. Collection method: clinical testing. Allele origin: germline. Affected: yes. Observed: 1 variant allele.